The following is an entry in ClinVar:

NM_004304.5(ALK):c.2416C>T (p.Arg806Cys)

Gene: ALK (ALK receptor tyrosine kinase; minus strand). Cytogenetic location: 2p23.2.
Variant type: single nucleotide variant.
Coding change: c.2416C>T on transcript NM_004304.5 (MANE Select); coding-DNA position 2416, C replaced by T.
Protein change: p.Arg806Cys; replaces arginine 806 with cysteine.
Molecular consequence: missense variant.
Genome position (GRCh38, 1-based): chr2:29,233,636, G>A on the plus strand (C>T on the coding strand, the complement: ALK is on the minus strand). VCF-style: chr2-29233636-G-A. GRCh37 (hg19) VCF-style: chr2-29456502-G-A.
Other names: short protein forms R806C.
Identifiers: ClinVar variation 404347 (VCV000404347.14), dbSNP rs80227749, ClinGen allele CA1594321.

ClinVar aggregate classification (germline): Conflicting classifications of pathogenicity. Review status: criteria provided, conflicting classifications (1 of 4 stars). 5 submissions from 5 submitters: Uncertain significance (4); Benign (1). Last evaluated 2026-01-27.

Conditions:
ALK-related disorder. Also called: ALK-related condition.
Hereditary cancer-predisposing syndrome. Also called: Tumor predisposition; Neoplastic Syndromes, Hereditary; Hereditary Cancer Syndrome; Hereditary neoplastic syndrome. Identifiers: Orphanet 140162, MedGen C0027672, MeSH D009386, MONDO:0015356.
Neuroblastoma, susceptibility to, 3. Also called: ALK-Related Neuroblastic Tumor Susceptibility. Identifiers: Orphanet 635, MedGen C2751681, MONDO:0013083, OMIM 613014.

Allele frequency attached by ClinVar (database versions not stated): ExAC 0.00002; gnomAD exomes 0.00004; gnomAD 0.00009 and 0.00010; TOPMed 0.00010; 1000 Genomes Project 30x 0.00031; 1000 Genomes Project 0.00040.
gnomAD v4.1: 49 of 1,614,172 alleles (0.003%); highest among the groups gnomAD compares: Admixed American, 0.025%; no homozygotes.

Submissions (5):

Labcorp Genetics (formerly Invitae), Labcorp
Classification: Uncertain significance for Neuroblastoma, susceptibility to, 3. Last evaluated: 2026-01-27. Review status: criteria provided, single submitter. Criteria: Invitae Variant Classification Sherloc (09022015). Collection method: clinical testing. Allele origin: germline.
Comment: This sequence change replaces arginine, which is basic and polar, with cysteine, which is neutral and slightly polar, at codon 806 of the ALK protein (p.Arg806Cys). This variant is present in population databases (rs80227749, gnomAD 0.02%). This variant has not been reported in the literature in individuals affected with ALK-related conditions. ClinVar contains an entry for this variant (Variation ID: 404347). An algorithm developed to predict the effect of missense changes on protein structure and function (PolyPhen-2) suggests that this variant is likely to be disruptive. In summary, the available evidence is currently insufficient to determine the role of this variant in disease. Therefore, it has been classified as a Variant of Uncertain Significance.

Ambry Genetics
Classification: Benign for Hereditary cancer-predisposing syndrome. Last evaluated: 2024-08-20. Review status: criteria provided, single submitter. Criteria: Ambry Variant Classification Scheme 2023. Collection method: clinical testing. Allele origin: germline.

Baylor Genetics
Classification: Uncertain significance for Neuroblastoma, susceptibility to, 3. Last evaluated: 2024-02-06. Review status: criteria provided, single submitter. Criteria: ACMG Guidelines, 2015. Collection method: clinical testing. Allele origin: unknown.

GeneDx
Classification: Uncertain significance. Last evaluated: 2024-01-17. Review status: criteria provided, single submitter. Criteria: GeneDx Variant Classification Process June 2021. Collection method: clinical testing. Allele origin: germline. Affected: yes.
Comment: In silico analysis supports that this missense variant has a deleterious effect on protein structure/function; Has not been previously published as pathogenic or benign to our knowledge

PreventionGenetics, part of Exact Sciences
Classification: Uncertain significance for ALK-related condition. Last evaluated: 2022-09-14. Review status: criteria provided, single submitter. Criteria: ACMG Guidelines, 2015. Collection method: clinical testing. Allele origin: germline.
Comment: The ALK c.2416C>T variant is predicted to result in the amino acid substitution p.Arg806Cys. To our knowledge, this variant has not been reported in the literature. This variant is reported in 0.020% of alleles in individuals of African descent in gnomAD and is interpreted as uncertain significance in ClinVar. At this time, the clinical significance of this variant is uncertain due to the absence of conclusive functional and genetic evidence.